The following is an entry in ClinVar:

ClinVar aggregate classification (germline): Pathogenic/Likely pathogenic. Review status: criteria provided, multiple submitters, no conflicts (2 of 4 stars). 3 submissions from 3 submitters: Pathogenic (2); Likely pathogenic (1). Last evaluated 2024-10-04.

Conditions:
Primary ciliary dyskinesia. Also called: Ciliary dyskinesia. Identifiers: Orphanet 244, MedGen C0008780, MONDO:0016575, HP:0012265.
Primary ciliary dyskinesia 3. Identifiers: Orphanet 244, MedGen C1837618, MONDO:0012085, OMIM 608644.

Submissions (3):

Johns Hopkins Genomics, Johns Hopkins University
Classification: Likely pathogenic for Primary ciliary dyskinesia 3. Last evaluated: 2024-10-04. Review status: criteria provided, single submitter. Criteria: ACMG Guidelines, 2015. Collection method: clinical testing. Allele origin: germline.
Comment: This DNAH5 frameshift variant (rs1443540935) is rare in (<0.1%) in a large population dataset (gnomAD v4.1.0: 5/1613784 total alleles; 0.0003%; no homozygotes) and has been reported in ClinVar (Variation ID: 454805). This frameshift variant results in a premature stop codon in exon 48 of 79, likely leading to nonsense-mediated RNA decay and lack of protein production. We consider c.7898_7901del in DNAH5 to be likely pathogenic.

Myriad Genetics, Inc.
Classification: Pathogenic for Primary ciliary dyskinesia 3. Last evaluated: 2024-05-14. Review status: criteria provided, single submitter. Criteria: Myriad Autosomal Dominant, Autosomal Recessive and X-Linked Classification Criteria (2023). Collection method: clinical testing. Allele origin: unknown.
Comment: NM_001369.2(DNAH5):c.7898_7901delAGAG(E2633Afs*19) is expected to be pathogenic in the context of primary ciliary dyskinesia, DNAH5-related. This variant is predicted to lead to an abnormal or absent protein product due to the creation of a premature termination codon in DNAH5, a gene where loss-of-function variants are known to be pathogenic. Please note: this variant was assessed in the context of healthy population screening.

Labcorp Genetics (formerly Invitae), Labcorp
Classification: Pathogenic for Primary ciliary dyskinesia. Last evaluated: 2023-01-19. Review status: criteria provided, single submitter. Criteria: Invitae Variant Classification Sherloc (09022015). Collection method: clinical testing. Allele origin: germline.
Comment: This variant is also known as 7897_7902delAGAG. This premature translational stop signal has been observed in individual(s) with primary ciliary dyskinesia (PMID: 25186273). This variant is present in population databases (no rsID available, gnomAD 0.002%). This sequence change creates a premature translational stop signal (p.Glu2633Alafs*19) in the DNAH5 gene. It is expected to result in an absent or disrupted protein product. Loss-of-function variants in DNAH5 are known to be pathogenic (PMID: 11788826, 16627867). ClinVar contains an entry for this variant (Variation ID: 454805). For these reasons, this variant has been classified as Pathogenic.

Literature cited by the submitters: PubMed 25186273 (cited by Labcorp Genetics (formerly Invitae), Labcorp); PubMed 11788826 (cited by Labcorp Genetics (formerly Invitae), Labcorp); PubMed 16627867 (cited by Labcorp Genetics (formerly Invitae), Labcorp).

NM_001369.3(DNAH5):c.7898_7901del (p.Glu2633fs)

Gene: DNAH5 (dynein axonemal heavy chain 5; minus strand). Cytogenetic location: 5p15.2.
Variant type: Microsatellite.
Coding change: c.7898_7901del on transcript NM_001369.3 (MANE Select); coding-DNA positions 7898 to 7901, 4 bases deleted (AGAG; older notation c.7898_7901delAGAG).
Protein change: p.Glu2633fs; shifts the reading frame from glutamic acid 2633.
Molecular consequence: frameshift variant.
Genome position (GRCh38, 1-based): chr5:13,794,045-13,794,048, CTCT deleted on the plus strand (AGAG on the coding strand, the reverse complement: DNAH5 is on the minus strand); deleting any 4 consecutive bases within chr5:13,794,045-13,794,050 gives the same sequence; the c. name uses the placement nearest the transcript's 3' end. VCF-style (leftmost placement, unchanged base first): chr5-13794044-GCTCT-G. GRCh37 (hg19) VCF-style: chr5-13794153-GCTCT-G.
Other names: c.7898_7901delAGAG (NM_001369.2); c.7898_7901del (NM_001369.2); short protein forms E2633fs.
Identifiers: ClinVar variation 454805 (VCV000454805.11), dbSNP rs1443540935, ClinGen allele CA557872553.